The following is an entry in ClinVar:

NM_001385012.1(NBEA):c.3033C>T (p.Ser1011=)

Gene: NBEA (neurobeachin; plus strand). Cytogenetic location: 13q13.3.
Variant type: single nucleotide variant.
Coding change: c.3033C>T on transcript NM_001385012.1 (MANE Select); coding-DNA position 3033, C replaced by T.
Protein change: p.Ser1011=; no amino-acid change (serine 1011 retained).
Molecular consequence: synonymous variant.
Genome position (GRCh38, 1-based): chr13:35,159,204, C>T. VCF-style: chr13-35159204-C-T. GRCh37 (hg19) VCF-style: chr13-35733341-C-T.
Other names: c.3033C>T, p.Ser1011= (NM_001379245.1, NM_015678.5).
Identifiers: ClinVar variation 2643743 (VCV002643743.24), dbSNP rs371120513, ClinGen allele CA6946579.
Genomic context (GRCh38, chr13:35,159,204, plus strand): 5'-AACAGGAGCAAAAGGTGGAATGGAAATTCGAGAGATAGAAGATCTTTCACAAAGCCAGAG[C>T]CCAGAAAGTGAGACCGATTACCCTGTCAGCACAGATACTCGAGACTTACTCATGTCAACA-3'
Protein context (NP_001371941.1, residues 1001-1021): REIEDLSQSQ[Ser1011=]PESETDYPVS

ClinVar aggregate classification (germline): Likely benign (1 of 4 stars; one submission).

Allele frequency attached by ClinVar (database versions not stated): ExAC 0.00001; gnomAD 0.00003; TOPMed 0.00003; gnomAD exomes 0.00005; ESP Exome Variant Server 0.00008.
gnomAD v4.1: 78 of 1,613,354 alleles (0.0048%); highest among the groups gnomAD compares: Non-Finnish European, 0.0063%; no homozygotes.

Submission:

CeGaT Center for Human Genetics Tuebingen
Classification: Likely benign. Last evaluated: 2025-04-01. Review status: criteria provided, single submitter. Criteria: CeGaT Center For Human Genetics Tuebingen Variant Classification Criteria Version 2. Collection method: clinical testing. Allele origin: germline. Affected: yes. Observed: 2 variant alleles.
Comment: NBEA: BP4, BP7